The following is an entry in ClinVar:

NM_001173464.2(KIF21A):c.1713-11C>G

Gene: KIF21A (kinesin family member 21A; minus strand). Cytogenetic location: 12q12.
Variant type: single nucleotide variant.
Coding change: c.1713-11C>G on transcript NM_001173464.2 (MANE Select); 11 bases into the intron before coding-DNA position 1713, C replaced by G.
Molecular consequence: intron variant.
Genome position (GRCh38, 1-based): chr12:39,342,135, G>C on the plus strand (C>G on the coding strand, the complement: KIF21A is on the minus strand). VCF-style: chr12-39342135-G-C. GRCh37 (hg19) VCF-style: chr12-39735937-G-C.
Other names: c.1674-11C>G (NM_001173465.2, NM_001173463.2, NM_017641.4).
Identifiers: ClinVar variation 308578 (VCV000308578.7), dbSNP rs142304324, ClinGen allele CA6510954.

ClinVar aggregate classification (germline): Benign/Likely benign. Review status: criteria provided, multiple submitters, no conflicts (2 of 4 stars). 3 submissions from 3 submitters: Benign (2); Likely benign (1). Last evaluated 2024-11-25.

Conditions:
Congenital fibrosis of extraocular muscles type 1. Also called: OPHTHALMOPLEGIA, CONGENITAL; CFEOM3B; BLEPHAROPTOSIS WITH ABSENT EYE MOVEMENTS; FEOM1 LOCUS. Identifiers: MedGen C1851102, MONDO:0021083, OMIM 135700.

Allele frequency attached by ClinVar (database versions not stated): 1000 Genomes Project 30x 0.00109; 1000 Genomes Project 0.00120; gnomAD 0.00142 and 0.00143; TOPMed 0.00155; ESP Exome Variant Server 0.00169; gnomAD exomes 0.00223; ExAC 0.00243.
gnomAD v4.1: 2,805 of 1,545,546 alleles (0.18%); highest among the groups gnomAD compares: Middle Eastern, 0.54%; 9 homozygotes.

Submissions (3):

Blueprint Genetics
Classification: Likely benign. Last evaluated: 2024-11-25. Review status: criteria provided, single submitter. Criteria: ACMG Guidelines, 2015. Collection method: clinical testing. Allele origin: germline.

Illumina Laboratory Services, Illumina
Classification: Benign for Congenital fibrosis of extraocular muscles type 1. Last evaluated: 2018-01-12. Review status: criteria provided, single submitter. Criteria: ICSL Variant Classification Criteria 13 December 2019. Collection method: clinical testing. Allele origin: germline.
Comment: This variant was observed in the ICSL laboratory as part of a predisposition screen in an ostensibly healthy population. It had not been previously curated by ICSL or reported in the Human Gene Mutation Database (HGMD: prior to June 1st, 2018), and was therefore a candidate for classification through an automated scoring system. Utilizing variant allele frequency, disease prevalence and penetrance estimates, and inheritance mode, an automated score was calculated to assess if this variant is too frequent to cause the disease. Based on the score and internal cut-off values, a variant classified as benign is not then subjected to further curation. The score for this variant resulted in a classification of benign for this disease.

Breakthrough Genomics
Classification: Benign. Review status: criteria provided, single submitter. Criteria: ACMG Guidelines, 2015. Collection method: not provided. Allele origin: germline. Inheritance: Autosomal dominant inheritance. Affected: yes.